The following is an entry in ClinVar:

ClinVar aggregate classification (germline): Uncertain significance (1 of 4 stars; one submission).

Conditions:
BRSK2-related disorder. Also called: BRSK2-related condition; BRSK2-Related Disorders.

Submission:

PreventionGenetics, part of Exact Sciences
Classification: Uncertain significance for BRSK2-related condition. Last evaluated: 2024-11-06. Review status: criteria provided, single submitter. Criteria: ACMG Guidelines, 2015. Collection method: clinical testing. Allele origin: germline.
Comment: The BRSK2 c.147C>G variant is predicted to result in the amino acid substitution p.Ile49Met. To our knowledge, this variant has not been reported in the literature or in a large population database (gnomAD), indicating this variant is rare. At this time, the clinical significance of this variant is uncertain due to the absence of conclusive functional and genetic evidence.

NM_001256627.2(BRSK2):c.147C>G (p.Ile49Met)

Gene: BRSK2 (BR serine/threonine kinase 2; plus strand). Cytogenetic location: 11p15.5.
Variant type: single nucleotide variant.
Coding change: c.147C>G on transcript NM_001256627.2 (MANE Select); coding-DNA position 147, C replaced by G.
Protein change: p.Ile49Met; replaces isoleucine 49 with methionine.
Molecular consequence: missense variant. On other transcripts: 5 prime UTR variant (8), non-coding transcript variant (1).
Genome position (GRCh38, 1-based): chr11:1,436,095, C>G. VCF-style: chr11-1436095-C-G. GRCh37 (hg19) VCF-style: chr11-1457325-C-G.
Other names: c.147C>G, p.Ile49Met (NM_001256629.2, NM_001440665.1, NM_001440666.1 and 3 more transcripts); c.285C>G, p.Ile95Met (NM_001256630.1, NM_001440667.1); c.-34C>G (NM_001282218.2, NM_001440669.1, NM_001440671.1 and 5 more transcripts); short protein forms I49M, I95M.
Identifiers: ClinVar variation 4999394 (VCV004999394.1).
Genomic context (GRCh38, chr11:1,436,095, plus strand): 5'-CGCAGGTCTGGTGAAGCTGGGGGTTCACTGCGTCACCTGCCAGAAGGTGGCCATCAAGAT[C>G]GTCAACCGTGAGAAGCTCAGCGAGTCGGTGCTGATGAAGGTGGGTGGGGCCGGGGAGGGA-3'
Protein context (NP_001243556.1, residues 39-59): CVTCQKVAIK[Ile49Met]VNREKLSESV